The following is an entry in ClinVar:

ClinVar aggregate classification (germline): Conflicting classifications of pathogenicity. Review status: criteria provided, conflicting classifications (1 of 4 stars). 3 submissions from 3 submitters: Uncertain significance (2); Likely benign (1). Last evaluated 2026-07-06.

Conditions:
Hereditary cancer-predisposing syndrome. Also called: Neoplastic Syndromes, Hereditary; Hereditary neoplastic syndrome; Hereditary Cancer Syndrome; Tumor predisposition. Identifiers: Orphanet 140162, MedGen C0027672, MeSH D009386, MONDO:0015356.
Gorlin syndrome. Also called: Nevoid Basal Cell Carcinoma Syndrome; Basal cell nevus syndrome. Identifiers: Orphanet 377, MedGen C0004779, MONDO:0007187.

Allele frequency attached by ClinVar (database versions not stated): gnomAD exomes below 0.00001; ExAC 0.00001.

Submissions (3):

Ambry Genetics
Classification: Uncertain significance for Hereditary cancer-predisposing syndrome. Last evaluated: 2026-07-06. Review status: criteria provided, single submitter. Criteria: Ambry Variant Classification Scheme 2023. Collection method: clinical testing. Allele origin: germline.
Comment: The p.M1004V variant (also known as c.3010A>G), located in coding exon 19 of the PTCH1 gene, results from an A to G substitution at nucleotide position 3010. The methionine at codon 1004 is replaced by valine, an amino acid with highly similar properties. This amino acid position is conserved. In addition, the in silico prediction for this alteration is inconclusive. Based on the available evidence, the clinical significance of this variant remains unclear.

GeneDx
Classification: Uncertain significance. Last evaluated: 2024-03-01. Review status: criteria provided, single submitter. Criteria: GeneDx Variant Classification Process June 2021. Collection method: clinical testing. Allele origin: germline. Affected: yes.
Comment: Not observed at significant frequency in large population cohorts (gnomAD); In silico analysis supports that this missense variant does not alter protein structure/function; Has not been previously published as pathogenic or benign to our knowledge

Labcorp Genetics (formerly Invitae), Labcorp
Classification: Likely benign for Gorlin syndrome. Last evaluated: 2022-03-05. Review status: criteria provided, single submitter. Criteria: Invitae Variant Classification Sherloc (09022015). Collection method: clinical testing. Allele origin: germline.

NM_000264.5(PTCH1):c.3208A>G (p.Met1070Val)

Gene: PTCH1 (patched 1; minus strand). Cytogenetic location: 9q22.32.
Variant type: single nucleotide variant.
Coding change: c.3208A>G on transcript NM_000264.5 (MANE Select); coding-DNA position 3208, A replaced by G.
Protein change: p.Met1070Val; replaces methionine 1070 with valine.
Molecular consequence: missense variant. On other transcripts: non-coding transcript variant (1).
Genome position (GRCh38, 1-based): chr9:95,456,374, T>C on the plus strand (A>G on the coding strand, the complement: PTCH1 is on the minus strand). VCF-style: chr9-95456374-T-C. GRCh37 (hg19) VCF-style: chr9-98218656-T-C.
Other names: c.3010A>G, p.Met1004Val (NM_001083602.3); c.3205A>G, p.Met1069Val (NM_001083603.3); c.2755A>G, p.Met919Val (NM_001083604.3, NM_001083605.3, NM_001083606.3 and 1 more transcripts); c.3052A>G, p.Met1018Val (NM_001354918.2); c.3010A>G (NM_001083602.1); short protein forms M1004V, M1070V, M919V, M1018V, M1069V.
Identifiers: ClinVar variation 453844 (VCV000453844.13), dbSNP rs768302786, ClinGen allele CA5138211.
Genomic context (GRCh38, chr9:95,456,374, plus strand): 5'-CAGAAGCGATCAGGATGACCACGGGCACGGCACTGAGCTTGATTCCGATGAGGCCCATCA[T>C]GCCGAACAGCTCGACCGTCATCAGCGCCAGGACCATCACCTGGAGCAGGGCACACAGTGG-3'
Protein context (NP_000255.2, residues 1060-1080): LALMTVELFG[Met1070Val]MGLIGIKLSA